The following is an entry in ClinVar:

ClinVar aggregate classification (germline): Conflicting classifications of pathogenicity. Review status: criteria provided, conflicting classifications (1 of 4 stars). 6 submissions from 6 submitters: Pathogenic (2); Likely pathogenic (2); Uncertain significance (1). 1 of the submissions does not count toward it. Last evaluated 2026-06-24.

Conditions:
ARSA-related disorder. Also called: ARSA-related condition.
Metachromatic leukodystrophy (MLD). Also called: Cerebral sclerosis diffuse metachromatic form; Arylsulfatase A Deficiency; CEREBROSIDE SULFATASE DEFICIENCY; METACHROMATIC LEUKOENCEPHALOPATHY; SULFATIDE LIPIDOSIS; ARSA DEFICIENCY. Identifiers: Orphanet 512, MedGen C0023522, MONDO:0018868, OMIM 250100.

Allele frequency attached by ClinVar (database versions not stated): gnomAD 0.00002; TOPMed 0.00002; ExAC 0.00003.

Submissions (7):

Myriad Genetics, Inc.
Classification: Uncertain significance for Metachromatic leukodystrophy. Last evaluated: 2026-06-24. Review status: criteria provided, single submitter. Criteria: Myriad Autosomal Dominant, Autosomal Recessive and X-Linked Classification Criteria (2023). Collection method: clinical testing. Allele origin: unknown.
Comment: NM_000487.5(ARSA):c.1292A>C(Y431S) is a missense variant classified as a variant of uncertain significance in the context of metachromatic leukodystrophy. Y431S has been observed in cases with relevant disease (PMID: 14517960, 19815439). Relevant functional assessments of this variant are available in the literature (PMID: 37480112). Y431S has been observed in referenced population frequency databases. In summary, there is insufficient evidence to classify NM_000487.5(ARSA):c.1292A>C(Y431S) as pathogenic or benign. Please note: this variant was assessed in the context of healthy population screening.

Women's Health and Genetics/Laboratory Corporation of America, LabCorp
Classification: Pathogenic for Metachromatic leukodystrophy. Last evaluated: 2026-04-13. Review status: criteria provided, single submitter. Criteria: LabCorp Variant Classification Summary - May 2015. Collection method: clinical testing. Allele origin: germline.
Comment: Variant summary: ARSA c.1292A>C (p.Tyr431Ser) results in a non-conservative amino acid change in the encoded protein sequence. Algorithms developed to predict the effect of missense changes on protein structure and function all suggest that this variant is likely to be disruptive. The variant allele was found at a frequency of 1.2e-05 in 245604 control chromosomes. c.1292A>C has been observed in individuals affected with Metachromatic Leukodystrophy (Eng_2003, Hong_2021, internal data). These data indicate that the variant may be associated with disease. At least one publication reports experimental evidence evaluating an impact on protein function (Trinidad_2023). The most pronounced variant effect results in 1.2% of normal activity. The following publications have been ascertained in the context of this evaluation (PMID: 14517960, 33214709, 37480112). ClinVar contains an entry for this variant (Variation ID: 68120). Based on the evidence outlined above, the variant was classified as pathogenic.

PreventionGenetics, part of Exact Sciences
Classification: Likely pathogenic for ARSA-related condition. Last evaluated: 2026-01-07. Review status: criteria provided, single submitter. Criteria: ACMG Guidelines, 2015. Collection method: clinical testing. Allele origin: germline.
Comment: The ARSA c.1292A>C variant is predicted to result in the amino acid substitution p.Tyr431Ser. This variant has been reported with a second pathogenic ARSA variant in individuals with metachromatic leukodystrophy (Reported as c.1286A>C, p.Tyr429Ser in Eng et al. 2003. PubMed ID: 14517960; Hong et al. 2021. PubMed ID: 33214709; Supp. Table 1, Cesani et al. 2016. PubMed ID: 26462614). This variant is reported in 0.0032% of alleles in individuals of European (non-Finnish) descent in gnomAD. This variant is interpreted as likely pathogenic.

Labcorp Genetics (formerly Invitae), Labcorp
Classification: Pathogenic for Metachromatic leukodystrophy. Last evaluated: 2025-09-17. Review status: criteria provided, single submitter. Criteria: Invitae Variant Classification Sherloc (09022015). Collection method: clinical testing. Allele origin: germline.
Comment: This sequence change replaces tyrosine, which is neutral and polar, with serine, which is neutral and polar, at codon 431 of the ARSA protein (p.Tyr431Ser). This variant is present in population databases (rs199476380, gnomAD 0.003%). This missense change has been observed in individual(s) with metachromatic leukodystrophy (PMID: 14517960; internal data). In at least one individual the data is consistent with being in trans (on the opposite chromosome) from a pathogenic variant. This variant is also known as c.1286A>C (p.Tyr429Ser). ClinVar contains an entry for this variant (Variation ID: 68120). Invitae Evidence Modeling of protein sequence and biophysical properties (such as structural, functional, and spatial information, amino acid conservation, physicochemical variation, residue mobility, and thermodynamic stability) indicates that this missense variant is expected to disrupt ARSA protein function with a positive predictive value of 95%. For these reasons, this variant has been classified as Pathogenic.

Fulgent Genetics
Classification: Likely pathogenic for Metachromatic leukodystrophy. Last evaluated: 2024-02-19. Review status: criteria provided, single submitter. Criteria: ACMG Guidelines, 2015. Collection method: clinical testing. Allele origin: germline.

Gelb Laboratory, University of Washington
No classification provided (evidence only). Condition: Metachromatic leukodystrophy. Review status: no classification provided. Collection method: in vitro. Allele origin: not applicable. Functional consequence: loss of function. Not counted in ClinVar's aggregate classification.

UniProtKB/Swiss-Prot
No classification provided. Review status: no classification provided. Collection method: not provided. Allele origin: not provided. Not counted in ClinVar's aggregate classification.

Literature cited by the submitters: PubMed 14517960 (cited by 3 submitters); PubMed 19815439 (cited by Myriad Genetics, Inc.); PubMed 37480112 (cited by Myriad Genetics, Inc. and Women's Health and Genetics/Laboratory Corporation of America, LabCorp); PubMed 33214709 (cited by Women's Health and Genetics/Laboratory Corporation of America, LabCorp).

NM_000487.6(ARSA):c.1292A>C (p.Tyr431Ser)

Gene: ARSA (arylsulfatase A; minus strand). Cytogenetic location: 22q13.33.
Variant type: single nucleotide variant.
Coding change: c.1292A>C on transcript NM_000487.6 (MANE Select); coding-DNA position 1292, A replaced by C.
Protein change: p.Tyr431Ser; replaces tyrosine 431 with serine.
Molecular consequence: missense variant.
Genome position (GRCh38, 1-based): chr22:50,625,383, T>G on the plus strand (A>C on the coding strand, the complement: ARSA is on the minus strand). VCF-style: chr22-50625383-T-G. GRCh37 (hg19) VCF-style: chr22-51063811-T-G.
Other names: c.1292A>C, p.Tyr431Ser (NM_001085425.3, NM_001085426.3, NM_001085427.3); c.1034A>C, p.Tyr345Ser (NM_001085428.3, NM_001362782.2); short protein forms Y431S, Y345S.
Identifiers: ClinVar variation 68120 (VCV000068120.11), dbSNP rs199476380, ClinGen allele CA218996.